The following is an entry in ClinVar:

NM_000441.2(SLC26A4):c.1002-31T>A

Gene: SLC26A4 (solute carrier family 26 member 4; plus strand). Cytogenetic location: 7q22.3.
Variant type: single nucleotide variant.
Coding change: c.1002-31T>A on transcript NM_000441.2 (MANE Select); 31 bases into the intron before coding-DNA position 1002, T replaced by A.
Molecular consequence: intron variant.
Genome position (GRCh38, 1-based): chr7:107,689,022, T>A. VCF-style: chr7-107689022-T-A. GRCh37 (hg19) VCF-style: chr7-107329467-T-A.
Identifiers: ClinVar variation 4526664 (VCV004526664.1).

ClinVar aggregate classification (germline): Likely pathogenic (1 of 4 stars; one submission).

Conditions:
Autosomal recessive nonsyndromic hearing loss 4 (DFNB4). Also called: Deafness, autosomal recessive 4; FOXI1-Related Pendred Syndrome; KCNJ10-Related Pendred Syndrome; DEAFNESS, AUTOSOMAL RECESSIVE 4, WITH ENLARGED VESTIBULAR AQUEDUCT, DIGENIC; Deafness, autosomal recessive 4, with enlarged vestibular aqueduct; NEUROSENSORY NONSYNDROMIC RECESSIVE DEAFNESS 4. Identifiers: Orphanet 90636, MedGen C3538946, MONDO:0010933, OMIM 600791.

gnomAD v4.1: 10 of 1,613,140 alleles (0.00062%); highest among the groups gnomAD compares: Middle Eastern, 0.033%; no homozygotes.

Submission:

Hadassah Hebrew University Medical Center
Classification: Likely pathogenic for Autosomal recessive nonsyndromic hearing loss 4. Last evaluated: 2025-10-01. Review status: criteria provided, single submitter. Criteria: ACMG Guidelines, 2015. Collection method: clinical testing. Allele origin: germline. Affected: yes.
Comment: This intronic variant is located in intron 8 of SLC26A4. It was identified in two unrelated individuals in trans with a pathogenic SLC26A4 variant. RNA studies demonstrated that this variant leads to exon 9 skipping (out-of-frame)